The following is an entry in ClinVar:

ClinVar aggregate classification (germline): Uncertain significance (1 of 4 stars; one submission).

Submission:

Labcorp Genetics (formerly Invitae), Labcorp
Classification: Uncertain significance. Last evaluated: 2022-07-26. Review status: criteria provided, single submitter. Criteria: Invitae Variant Classification Sherloc (09022015). Collection method: clinical testing. Allele origin: germline.
Comment: This variant has not been reported in the literature in individuals affected with ARHGEF18-related conditions. This variant is not present in population databases (gnomAD no frequency). This sequence change replaces glutamine, which is neutral and polar, with histidine, which is basic and polar, at codon 887 of the ARHGEF18 protein (p.Gln887His). ClinVar contains an entry for this variant (Variation ID: 1405218). In summary, the available evidence is currently insufficient to determine the role of this variant in disease. Therefore, it has been classified as a Variant of Uncertain Significance. Algorithms developed to predict the effect of missense changes on protein structure and function (SIFT, PolyPhen-2, Align-GVGD) all suggest that this variant is likely to be tolerated.

NM_001367823.1(ARHGEF18):c.3225G>T (p.Gln1075His)

Gene: ARHGEF18 (Rho/Rac guanine nucleotide exchange factor 18; plus strand). Cytogenetic location: 19p13.2.
Variant type: single nucleotide variant.
Coding change: c.3225G>T on transcript NM_001367823.1 (MANE Select); coding-DNA position 3225, G replaced by T.
Protein change: p.Gln1075His; replaces glutamine 1075 with histidine.
Molecular consequence: missense variant.
Genome position (GRCh38, 1-based): chr19:7,467,429, G>T. VCF-style: chr19-7467429-G-T. GRCh37 (hg19) VCF-style: chr19-7532315-G-T.
Other names: c.2499G>T, p.Gln833His (NM_001130955.2); c.2187G>T, p.Gln729His (NM_001367824.1, NM_015318.4); short protein forms Q1075H, Q833H, Q729H.
Identifiers: ClinVar variation 1405218 (VCV001405218.6), dbSNP rs1412422080, ClinGen allele CA403088246.